The following is an entry in ClinVar:

ClinVar aggregate classification (germline): Pathogenic. Review status: criteria provided, single submitter (1 of 4 stars). 2 submissions from 2 submitters: Pathogenic (1). 1 of the submissions does not count toward it. Last evaluated 2024-11-20.

Conditions:
Cardiovascular phenotype. Identifiers: MedGen CN230736.
Alstrom syndrome (ALMS). Identifiers: Orphanet 64, MedGen C0268425, MONDO:0008763, OMIM 203800.

Submissions (2):

Ambry Genetics
Classification: Pathogenic for Cardiovascular phenotype. Last evaluated: 2024-11-20. Review status: criteria provided, single submitter. Criteria: Ambry Variant Classification Scheme 2023. Collection method: clinical testing. Allele origin: germline.
Comment: The c.12178_12180delCTGinsTT pathogenic mutation, located in coding exon 20 of the ALMS1 gene, results from the deletion of 3 nucleotides and insertion of two nucleotides causing a translational frameshift with a predicted alternate stop codon (p.K4061Sfs*2). This variant is considered to be rare based on population cohorts in the Genome Aggregation Database (gnomAD). This alteration is expected to result in loss of function by premature protein truncation or nonsense-mediated mRNA decay. As such, this alteration is interpreted as a disease-causing mutation.

Counsyl
Classification: Likely pathogenic for Alstrom syndrome. Last evaluated: 2018-02-12. Review status: no assertion criteria provided. Collection method: clinical testing. Allele origin: unknown. Not counted in ClinVar's aggregate classification.

NM_001378454.1(ALMS1):c.12175_12177delinsTT (p.Lys4060fs)

Genes: ALMS1 (ALMS1 centrosome and basal body associated protein; plus strand), LOC126806252 (BRD4-independent group 4 enhancer GRCh37_chr2:73828496-73829695; plus strand). Cytogenetic location: 2p13.1.
Variant type: Indel.
Coding change: c.12175_12177delinsTT on transcript NM_001378454.1 (MANE Select); coding-DNA positions 12175 to 12177, CTG replaced by TT.
Protein change: p.Lys4060fs; shifts the reading frame from lysine 4060.
Molecular consequence: frameshift variant.
Genome position (GRCh38, 1-based): chr2:73,602,245-73,602,247, CTG replaced by TT. VCF-style: chr2-73602245-CTG-TT. GRCh37 (hg19) VCF-style: chr2-73829372-CTG-TT.
Other names: c.12178_12180delCTGinsTT (NM_015120.4); c.12178_12180delinsTT, p.Lys4061fs (NM_015120.4); short protein forms K4061fs, K4060fs.
Identifiers: ClinVar variation 556641 (VCV000556641.3), dbSNP rs1553421886, ClinGen allele CA658822848.